The following is an entry in ClinVar:

ClinVar aggregate classification (germline): Uncertain significance (1 of 4 stars; one submission).

Allele frequency attached by ClinVar (database versions not stated): gnomAD exomes below 0.00001; ExAC 0.00001.

Submission:

Labcorp Genetics (formerly Invitae), Labcorp
Classification: Uncertain significance. Last evaluated: 2023-01-20. Review status: criteria provided, single submitter. Criteria: Invitae Variant Classification Sherloc (09022015). Collection method: clinical testing. Allele origin: germline.
Comment: This sequence change replaces glycine, which is neutral and non-polar, with arginine, which is basic and polar, at codon 3147 of the SRCAP protein (p.Gly3147Arg). In summary, the available evidence is currently insufficient to determine the role of this variant in disease. Therefore, it has been classified as a Variant of Uncertain Significance. Advanced modeling of protein sequence and biophysical properties (such as structural, functional, and spatial information, amino acid conservation, physicochemical variation, residue mobility, and thermodynamic stability) performed at Invitae indicates that this missense variant is not expected to disrupt SRCAP protein function. This variant has not been reported in the literature in individuals affected with SRCAP-related conditions. This variant is present in population databases (rs766278421, gnomAD 0.003%).

NM_006662.3(SRCAP):c.9439G>A (p.Gly3147Arg)

Gene: SRCAP (Snf2 related CREBBP activator protein; plus strand). Cytogenetic location: 16p11.2.
Variant type: single nucleotide variant.
Coding change: c.9439G>A on transcript NM_006662.3 (MANE Select); coding-DNA position 9439, G replaced by A.
Protein change: p.Gly3147Arg; replaces glycine 3147 with arginine.
Molecular consequence: missense variant.
Genome position (GRCh38, 1-based): chr16:30,739,479, G>A. VCF-style: chr16-30739479-G-A. GRCh37 (hg19) VCF-style: chr16-30750800-G-A.
Other names: short protein forms G3147R.
Identifiers: ClinVar variation 2727075 (VCV002727075.3), dbSNP rs766278421, ClinGen allele CA8012920.